The following is an entry in ClinVar:

ClinVar aggregate classification (germline): Uncertain significance (1 of 4 stars; one submission).

Allele frequency attached by ClinVar (database versions not stated): gnomAD exomes below 0.00001; TOPMed below 0.00001.
gnomAD v4.1: 1 of 1,614,146 alleles (0.000062%); highest among the groups gnomAD compares: Non-Finnish European, 0.000085%; no homozygotes.

Submission:

Labcorp Genetics (formerly Invitae), Labcorp
Classification: Uncertain significance. Last evaluated: 2023-06-30. Review status: criteria provided, single submitter. Criteria: Invitae Variant Classification Sherloc (09022015). Collection method: clinical testing. Allele origin: germline.
Comment: ClinVar contains an entry for this variant (Variation ID: 1502683). In summary, the available evidence is currently insufficient to determine the role of this variant in disease. Therefore, it has been classified as a Variant of Uncertain Significance. Advanced modeling of protein sequence and biophysical properties (such as structural, functional, and spatial information, amino acid conservation, physicochemical variation, residue mobility, and thermodynamic stability) performed at Invitae indicates that this missense variant is expected to disrupt CNNM4 protein function. This missense change has been observed in individual(s) with Jalili syndrome and/or retinitis pigmentosa/rod-cone dystrophy (PMID: 23105016, 26355662). This variant is present in population databases (no rsID available, gnomAD 0.002%). This sequence change replaces threonine, which is neutral and polar, with isoleucine, which is neutral and non-polar, at codon 495 of the CNNM4 protein (p.Thr495Ile).

Literature cited by the submitters: PubMed 23105016; PubMed 26355662.

NM_020184.4(CNNM4):c.1484C>T (p.Thr495Ile)

Gene: CNNM4 (cyclin and CBS domain divalent metal cation transport mediator 4; plus strand). Cytogenetic location: 2q11.2.
Variant type: single nucleotide variant.
Coding change: c.1484C>T on transcript NM_020184.4 (MANE Select); coding-DNA position 1484, C replaced by T.
Protein change: p.Thr495Ile; replaces threonine 495 with isoleucine.
Molecular consequence: missense variant.
Genome position (GRCh38, 1-based): chr2:96,797,093, C>T. VCF-style: chr2-96797093-C-T. GRCh37 (hg19) VCF-style: chr2-97462830-C-T.
Other names: short protein forms T495I.
Identifiers: ClinVar variation 1502683 (VCV001502683.6), dbSNP rs1331854996, ClinGen allele CA347702467.